The following is an entry in ClinVar:

ClinVar aggregate classification (germline): Uncertain significance (1 of 4 stars; one submission).

Submission:

Dasa
Classification: Uncertain significance. Last evaluated: 2026-04-13. Review status: criteria provided, single submitter. Criteria: DASA Assertion Criteria. Collection method: clinical testing. Allele origin: germline.
Comment: NM_001357.5(DHX9):c.1199C>G (p.Ala400Gly) is a missense variant that results in the substitution of alanine with glycine. This variant is rare in population databases. The currently available literature and clinical evidence are not sufficient to establish a definitive association between this variant and the reported condition. Therefore, this variant is classified as a variant of uncertain significance.

NM_001357.5(DHX9):c.1199C>G (p.Ala400Gly)

Gene: DHX9 (DExH-box helicase 9; plus strand). Cytogenetic location: 1q25.3.
Variant type: single nucleotide variant.
Coding change: c.1199C>G on transcript NM_001357.5 (MANE Select); coding-DNA position 1199, C replaced by G.
Protein change: p.Ala400Gly; replaces alanine 400 with glycine.
Molecular consequence: missense variant. On other transcripts: non-coding transcript variant (1).
Genome position (GRCh38, 1-based): chr1:182,860,051, C>G. VCF-style: chr1-182860051-C-G. GRCh37 (hg19) VCF-style: chr1-182829186-C-G.
Other names: short protein forms A400G.
Identifiers: ClinVar variation 4885160 (VCV004885160.2).